The following is an entry in ClinVar:

ClinVar aggregate classification (germline): Conflicting classifications of pathogenicity. Review status: criteria provided, conflicting classifications (1 of 4 stars). 2 submissions from 2 submitters: Uncertain significance (1); Likely benign (1). Last evaluated 2025-10-22.

Allele frequency attached by ClinVar (database versions not stated): ExAC 0.00020; gnomAD 0.00035; TOPMed 0.00038; ESP Exome Variant Server 0.00046; 1000 Genomes Project 0.00060; 1000 Genomes Project 30x 0.00094.
gnomAD v4.1: 165 of 1,613,962 alleles (0.01%); highest among the groups gnomAD compares: Admixed American, 0.085%; no homozygotes.

Submissions (2):

Ambry Genetics
Classification: Uncertain significance. Last evaluated: 2025-10-22. Review status: criteria provided, single submitter. Criteria: Ambry Variant Classification Scheme 2023. Collection method: clinical testing. Allele origin: germline.

CeGaT Center for Human Genetics Tuebingen
Classification: Likely benign. Last evaluated: 2022-09-01. Review status: criteria provided, single submitter. Criteria: CeGaT Center For Human Genetics Tuebingen Variant Classification Criteria Version 2. Collection method: clinical testing. Allele origin: germline. Affected: yes. Observed: 1 variant allele.
Comment: PARP10: BP4

NM_032789.5(PARP10):c.2487G>C (p.Glu829Asp)

Gene: PARP10 (poly(ADP-ribose) polymerase family member 10; minus strand). Cytogenetic location: 8q24.3.
Variant type: single nucleotide variant.
Coding change: c.2487G>C on transcript NM_032789.5 (MANE Select); coding-DNA position 2487, G replaced by C.
Protein change: p.Glu829Asp; replaces glutamic acid 829 with aspartic acid.
Molecular consequence: missense variant. On other transcripts: non-coding transcript variant (1).
Genome position (GRCh38, 1-based): chr8:143,983,001, C>G on the plus strand (G>C on the coding strand, the complement: PARP10 is on the minus strand). VCF-style: chr8-143983001-C-G. GRCh37 (hg19) VCF-style: chr8-145057169-C-G.
Other names: c.2523G>C, p.Glu841Asp (NM_001317895.2); c.2487G>C (NM_032789.3); short protein forms E829D, E841D.
Identifiers: ClinVar variation 2658960 (VCV002658960.24), dbSNP rs139271648, ClinGen allele CA4929352.
Genomic context (GRCh38, chr8:143,983,001, plus strand): 5'-GCGGATGCTGCTGCGGGCAGCGTCCAGGGTGTCGTAGAAGGCCCGCACCACCTCCTGGAA[C>G]TCCCCGGTGTTCTCTGCCAGACGCTCCAGGTTGTTCCAGGGCCCCTTCAGCGTCTGCCCC-3'
Protein context (NP_116178.2, residues 819-839): NLERLAENTG[Glu829Asp]FQEVVRAFYD